The following is an entry in ClinVar:

NM_033409.4(SLC52A3):c.1198-20_1237dup

Gene: SLC52A3 (solute carrier family 52 member 3; minus strand). Cytogenetic location: 20p13.
Variant type: Duplication.
Coding change: c.1198-20_1237dup on transcript NM_033409.4 (MANE Select); 20 bases into the intron before coding-DNA position 1198 through coding-DNA position 1237, 60 bases duplicated.
Molecular consequence: splice acceptor variant.
Genome position (GRCh38, 1-based): chr20:761,199-761,258, 60 bases duplicated. GRCh37 (hg19): chr20:741,843-741,902.
Other names: c.1198-20_1237dup (NM_001370085.1, NM_001370086.1).
Identifiers: ClinVar variation 3372825 (VCV003372825.1).

ClinVar aggregate classification (germline): Uncertain significance (1 of 4 stars; one submission).

Submission:

GeneDx
Classification: Uncertain significance. Last evaluated: 2024-04-29. Review status: criteria provided, single submitter. Criteria: GeneDx Variant Classification Process June 2021. Collection method: clinical testing. Allele origin: germline. Affected: yes.
Comment: In-frame insertion of 20 amino acids in a non-repeat region; Not observed at significant frequency in large population cohorts (gnomAD); Has not been previously published as pathogenic or benign to our knowledge